The following is an entry in ClinVar:

NM_172364.5(CACNA2D4):c.1940+3G>A

Gene: CACNA2D4 (calcium voltage-gated channel auxiliary subunit alpha2delta 4; minus strand). Cytogenetic location: 12p13.33.
Variant type: single nucleotide variant.
Coding change: c.1940+3G>A on transcript NM_172364.5 (MANE Select); 3 bases into the intron after coding-DNA position 1940, G replaced by A.
Molecular consequence: intron variant.
Genome position (GRCh38, 1-based): chr12:1,860,142, C>T on the plus strand (G>A on the coding strand, the complement: CACNA2D4 is on the minus strand). VCF-style: chr12-1860142-C-T. GRCh37 (hg19) VCF-style: chr12-1969308-C-T.
Identifiers: ClinVar variation 3699271 (VCV003699271.2).

ClinVar aggregate classification (germline): Uncertain significance (1 of 4 stars; one submission).

gnomAD v4.1: 2 of 1,612,080 alleles (0.00012%); highest among the groups gnomAD compares: East Asian, 0.0045%; no homozygotes.

Submission:

Labcorp Genetics (formerly Invitae), Labcorp
Classification: Uncertain significance. Last evaluated: 2024-12-08. Review status: criteria provided, single submitter. Criteria: Invitae Variant Classification Sherloc (09022015). Collection method: clinical testing. Allele origin: germline.
Comment: This sequence change falls in intron 19 of the CACNA2D4 gene. It does not directly change the encoded amino acid sequence of the CACNA2D4 protein. It affects a nucleotide within the consensus splice site. This variant is present in population databases (rs756764810, gnomAD 0.03%). This variant has not been reported in the literature in individuals affected with CACNA2D4-related conditions. Variants that disrupt the consensus splice site are a relatively common cause of aberrant splicing (PMID: 17576681, 9536098). Algorithms developed to predict the effect of sequence changes on RNA splicing suggest that this variant is not likely to affect RNA splicing. In summary, the available evidence is currently insufficient to determine the role of this variant in disease. Therefore, it has been classified as a Variant of Uncertain Significance.

Literature cited by the submitters: PubMed 17576681; PubMed 9536098.